The following is an entry in ClinVar:

NM_001378120.1(MBD5):c.3734G>A (p.Cys1245Tyr)

Gene: MBD5 (methyl-CpG binding domain protein 5; plus strand). Cytogenetic location: 2q23.1.
Variant type: single nucleotide variant.
Coding change: c.3734G>A on transcript NM_001378120.1 (MANE Select); coding-DNA position 3734, G replaced by A.
Protein change: p.Cys1245Tyr; replaces cysteine 1245 with tyrosine.
Molecular consequence: missense variant.
Genome position (GRCh38, 1-based): chr2:148,485,931, G>A. VCF-style: chr2-148485931-G-A. GRCh37 (hg19) VCF-style: chr2-149243500-G-A.
Other names: c.3035G>A, p.Cys1012Tyr (NM_018328.5); short protein forms C1012Y, C1245Y.
Identifiers: ClinVar variation 571376 (VCV000571376.11), dbSNP rs1559096858, ClinGen allele CA348724758.

ClinVar aggregate classification (germline): Uncertain significance (1 of 4 stars; one submission).

Conditions:
Intellectual developmental disorder, autosomal dominant 1. Also called: Intellectual disability, autosomal dominant 1; MBD5 Haploinsufficiency. Identifiers: Orphanet 228402, MedGen C1969562, MONDO:0007974, OMIM 156200.

Submission:

Labcorp Genetics (formerly Invitae), Labcorp
Classification: Uncertain significance for Intellectual developmental disorder, autosomal dominant 1. Last evaluated: 2020-01-24. Review status: criteria provided, single submitter. Criteria: Invitae Variant Classification Sherloc (09022015). Collection method: clinical testing. Allele origin: germline.
Comment: In summary, the available evidence is currently insufficient to determine the role of this variant in disease. Therefore, it has been classified as a Variant of Uncertain Significance. This variant has not been reported in the literature in individuals with MBD5-related disease. This variant is not present in population databases (ExAC no frequency). This sequence change replaces cysteine with tyrosine at codon 1012 of the MBD5 protein (p.Cys1012Tyr). The cysteine residue is highly conserved and there is a large physicochemical difference between cysteine and tyrosine.